The following is an entry in ClinVar:

ClinVar aggregate classification (germline): Uncertain significance (1 of 4 stars; one submission).

Conditions:
Hereditary cancer-predisposing syndrome. Also called: Neoplastic Syndromes, Hereditary; Tumor predisposition; Hereditary neoplastic syndrome; Hereditary Cancer Syndrome. Identifiers: Orphanet 140162, MedGen C0027672, MeSH D009386, MONDO:0015356.

Submission:

Ambry Genetics
Classification: Uncertain significance for Hereditary cancer-predisposing syndrome. Last evaluated: 2026-07-07. Review status: criteria provided, single submitter. Criteria: Ambry Variant Classification Scheme 2023. Collection method: clinical testing. Allele origin: germline.
Comment: The p.I717V variant (also known as c.2149A>G), located in coding exon 13 of the CDH1 gene, results from an A to G substitution at nucleotide position 2149. The isoleucine at codon 717 is replaced by valine, an amino acid with highly similar properties. This amino acid position is conserved. In addition, this alteration is predicted to be tolerated by in silico analysis. Based on the available evidence, the clinical significance of this variant remains unclear.

NM_004360.5(CDH1):c.2149A>G (p.Ile717Val)

Gene: CDH1 (cadherin 1; plus strand). Cytogenetic location: 16q22.1.
Variant type: single nucleotide variant.
Coding change: c.2149A>G on transcript NM_004360.5 (MANE Select); coding-DNA position 2149, A replaced by G.
Protein change: p.Ile717Val; replaces isoleucine 717 with valine.
Molecular consequence: missense variant.
Genome position (GRCh38, 1-based): chr16:68,823,611, A>G. VCF-style: chr16-68823611-A-G. GRCh37 (hg19) VCF-style: chr16-68857514-A-G.
Other names: c.184A>G, p.Ile62Val (NM_001317186.2); c.1966A>G, p.Ile656Val (NM_001317184.2); c.601A>G, p.Ile201Val (NM_001317185.2); short protein forms I201V, I717V, I656V, I62V.
Identifiers: ClinVar variation 5033968 (VCV005033968.1).
Genomic context (GRCh38, chr16:68,823,611, plus strand): 5'-AAGGCACAGCCTGTCGAAGCAGGATTGCAAATTCCTGCCATTCTGGGGATTCTTGGAGGA[A>G]TTCTTGCTTTGCTAAGTAAGTCCAGCTGGCAAGTGACTCAGCCTTTGACTTAAAAAAATG-3'
Protein context (NP_004351.1, residues 707-727): IPAILGILGG[Ile717Val]LALLILILLL